The following is an entry in ClinVar:

NM_014956.5(CEP164):c.11G>A (p.Arg4Gln)

Gene: CEP164 (centrosomal protein 164; plus strand). Cytogenetic location: 11q23.3.
Variant type: single nucleotide variant.
Coding change: c.11G>A on transcript NM_014956.5 (MANE Select); coding-DNA position 11, G replaced by A.
Protein change: p.Arg4Gln; replaces arginine 4 with glutamine.
Molecular consequence: missense variant. On other transcripts: intron variant (1).
Genome position (GRCh38, 1-based): chr11:117,338,597, G>A. VCF-style: chr11-117338597-G-A. GRCh37 (hg19) VCF-style: chr11-117209313-G-A.
Other names: c.11G>A, p.Arg4Gln (NM_001271933.2, NM_001440949.1, NM_001440950.1 and 36 more transcripts); c.-57+2917G>A (NM_001440960.1); short protein forms R4Q.
Identifiers: ClinVar variation 4978111 (VCV004978111.1).
Genomic context (GRCh38, chr11:117,338,597, plus strand): 5'-CTCTTTTGGTGGGGGCCTCTGGGATCTAGGTGTTTGAGCCCAGATGAGTCATGGCTGGAC[G>A]ACCCCTCCGCATAGGAGATCAGCTGGTTCTGGAAGAAGATTATGATGAGACCTACATTCC-3'
Protein context (NP_055771.4, residues 1-14): MAG[Arg4Gln]PLRIGDQLVL

ClinVar aggregate classification (germline): Uncertain significance (1 of 4 stars; one submission).

Conditions:
CEP164-related disorder. Also called: CEP164-related condition.

gnomAD v4.1: 8 of 1,614,018 alleles (0.0005%); highest among the groups gnomAD compares: Non-Finnish European, 0.00068%; no homozygotes.

Submission:

PreventionGenetics, part of Exact Sciences
Classification: Uncertain significance for CEP164-related condition. Last evaluated: 2025-09-04. Review status: criteria provided, single submitter. Criteria: ACMG Guidelines, 2015. Collection method: clinical testing. Allele origin: germline.
Comment: The CEP164 c.11G>A variant is predicted to result in the amino acid substitution p.Arg4Gln. To our knowledge, this variant has not been reported in the literature or in a large population database (gnomAD), indicating this variant is rare. At this time, the clinical significance of this variant is uncertain due to the absence of conclusive functional and genetic evidence.